The following is an entry in ClinVar:

NM_003105.6(SORL1):c.1858G>T (p.Ala620Ser)

Gene: SORL1 (sortilin related receptor 1; plus strand). Cytogenetic location: 11q24.1.
Variant type: single nucleotide variant.
Coding change: c.1858G>T on transcript NM_003105.6 (MANE Select); coding-DNA position 1858, G replaced by T.
Protein change: p.Ala620Ser; replaces alanine 620 with serine.
Molecular consequence: missense variant.
Genome position (GRCh38, 1-based): chr11:121,543,720, G>T. VCF-style: chr11-121543720-G-T. GRCh37 (hg19) VCF-style: chr11-121414429-G-T.
Other names: short protein forms A620S.
Identifiers: ClinVar variation 1507224 (VCV001507224.8), dbSNP rs1202308766, ClinGen allele CA383029673.

ClinVar aggregate classification (germline): Uncertain significance (1 of 4 stars; one submission).

Allele frequency attached by ClinVar (database versions not stated): gnomAD exomes below 0.00001.
gnomAD v4.1: 1 of 1,612,044 alleles (0.000062%); highest among the groups gnomAD compares: Admixed American, 0.0017%; no homozygotes.

Submission:

Labcorp Genetics (formerly Invitae), Labcorp
Classification: Uncertain significance. Last evaluated: 2021-05-30. Review status: criteria provided, single submitter. Criteria: Invitae Variant Classification Sherloc (09022015). Collection method: clinical testing. Allele origin: germline.
Comment: In summary, the available evidence is currently insufficient to determine the role of this variant in disease. Therefore, it has been classified as a Variant of Uncertain Significance. Algorithms developed to predict the effect of missense changes on protein structure and function output the following: SIFT: "Tolerated"; PolyPhen-2: "Benign"; Align-GVGD: "Class C15". The serine amino acid residue is found in multiple mammalian species, suggesting that this missense change does not adversely affect protein function. These predictions have not been confirmed by published functional studies and their clinical significance is uncertain. This variant has not been reported in the literature in individuals with SORL1-related conditions. This variant is not present in population databases (ExAC no frequency). This sequence change replaces alanine with serine at codon 620 of the SORL1 protein (p.Ala620Ser). The alanine residue is moderately conserved and there is a moderate physicochemical difference between alanine and serine.